The following is an entry in ClinVar:

ClinVar aggregate classification (germline): Pathogenic (1 of 4 stars; one submission).

Submission:

GeneDx
Classification: Pathogenic. Last evaluated: 2015-08-14. Review status: criteria provided, single submitter. Criteria: GeneDx Variant Classification (06012015). Collection method: clinical testing. Allele origin: germline. Affected: yes.
Comment: The c.357+2dupT splice site variant in the PAX6 gene has been previously reported in association withaniridia (Hingorani et al. 2009; Axton et al. 1997). The c.357+2dupT splice site duplication has also beenreported in association with absence of the anterior commissure leading to diminished olfactory function(Sisodiya et al. 2001). This duplication destroys the natural splice donor site in intron 6, and is expected tocause abnormal gene splicing. The c.357+2dupT variant was not observed in approximately 6,500individuals of European and African American ancestry in the NHLBI Exome Sequencing Project,indicating it is not a common benign variant in these populations. We interpret the c.357+2dupT variant as pathogenic.

NM_001368894.2(PAX6):c.399+2dup

Gene: PAX6 (paired box 6; minus strand). Cytogenetic location: 11p13.
Variant type: Duplication.
Coding change: c.399+2dup on transcript NM_001368894.2 (MANE Select); the canonical splice donor site of the intron after coding-DNA position 399, one base duplicated (T; older notation c.399+2dupT).
Molecular consequence: splice donor variant. On other transcripts: 5 prime UTR variant (3), intron variant (8).
Genome position (GRCh38, 1-based): chr11:31,801,559, A duplicated on the plus strand (T on the coding strand, the reverse complement: PAX6 is on the minus strand). VCF-style (leftmost placement, unchanged base first): chr11-31801558-T-TA. GRCh37 (hg19) VCF-style: chr11-31823106-T-TA.
Other names: c.-381dup (NM_001310160.2, NM_001368902.2, NM_001368905.2); c.357+2dup (NM_001127612.3, NM_001368916.2, NM_001258465.3 and 10 more transcripts); c.198+203dup (NM_001368921.2, NM_001368923.2, NM_001368925.2 and 4 more transcripts); c.399+2dup (NM_001258462.3, NM_001368913.2, NM_001368912.2 and 6 more transcripts); c.474+2dup (NM_001368919.2, NM_001368918.2); c.600+2dup (NM_001368910.2); c.-52+2dup (NM_001368909.2, NM_001368904.2, NM_001368906.2 and 8 more transcripts); c.402+2dup (NM_001368911.2); and 2 more.
Identifiers: ClinVar variation 419539 (VCV000419539.2), dbSNP rs1554985285, ClinGen allele CA16619312.